The following is an entry in ClinVar:

ClinVar aggregate classification (germline): Uncertain significance. Review status: criteria provided, multiple submitters, no conflicts (2 of 4 stars). 2 submissions from 2 submitters: Uncertain significance (2). Last evaluated 2026-01-27.

Allele frequency attached by ClinVar (database versions not stated): gnomAD 0.00005; TOPMed 0.00005; ExAC 0.00006; gnomAD exomes 0.00013.
gnomAD v4.1: 214 of 1,613,424 alleles (0.013%); highest among the groups gnomAD compares: Non-Finnish European, 0.016%; no homozygotes.

Submissions (2):

Labcorp Genetics (formerly Invitae), Labcorp
Classification: Uncertain significance. Last evaluated: 2026-01-27. Review status: criteria provided, single submitter. Criteria: Invitae Variant Classification Sherloc (09022015). Collection method: clinical testing. Allele origin: germline.
Comment: This sequence change replaces aspartic acid, which is acidic and polar, with glycine, which is neutral and non-polar, at codon 374 of the MCM5 protein (p.Asp374Gly). This variant is present in population databases (rs769867802, gnomAD 0.02%). This variant has not been reported in the literature in individuals affected with MCM5-related conditions. ClinVar contains an entry for this variant (Variation ID: 2159218). Invitae Evidence Modeling of protein sequence and biophysical properties (such as structural, functional, and spatial information, amino acid conservation, physicochemical variation, residue mobility, and thermodynamic stability) indicates that this missense variant is expected to disrupt MCM5 protein function with a positive predictive value of 80%. In summary, the available evidence is currently insufficient to determine the role of this variant in disease. Therefore, it has been classified as a Variant of Uncertain Significance.

Ambry Genetics
Classification: Uncertain significance. Last evaluated: 2025-08-02. Review status: criteria provided, single submitter. Criteria: Ambry Variant Classification Scheme 2023. Collection method: clinical testing. Allele origin: germline.

NM_006739.4(MCM5):c.1121A>G (p.Asp374Gly)

Gene: MCM5 (minichromosome maintenance complex component 5; plus strand). Cytogenetic location: 22q12.3.
Variant type: single nucleotide variant.
Coding change: c.1121A>G on transcript NM_006739.4 (MANE Select); coding-DNA position 1121, A replaced by G.
Protein change: p.Asp374Gly; replaces aspartic acid 374 with glycine.
Molecular consequence: missense variant.
Genome position (GRCh38, 1-based): chr22:35,413,904, A>G. VCF-style: chr22-35413904-A-G. GRCh37 (hg19) VCF-style: chr22-35809897-A-G.
Other names: c.1121A>G (NM_006739.3); short protein forms D374G.
Identifiers: ClinVar variation 2159218 (VCV002159218.7), dbSNP rs769867802, ClinGen allele CA10205281.